The following is an entry in ClinVar:

ClinVar aggregate classification (germline): Likely benign. Review status: criteria provided, multiple submitters, no conflicts (2 of 4 stars). 3 submissions from 3 submitters: Likely benign (3). Last evaluated 2026-01-09.

Conditions:
Arrhythmogenic right ventricular dysplasia 5. Also called: Arrhythmogenic Right Ventricular Dysplasia/Cardiomyopathy 5; ARRHYTHMOGENIC RIGHT VENTRICULAR DYSPLASIA, FAMILIAL, 5. Identifiers: MedGen C1858379, MONDO:0011459, OMIM 604400.

Allele frequency attached by ClinVar (database versions not stated): gnomAD exomes below 0.00001; ExAC 0.00001.
gnomAD v4.1: 5 of 1,614,122 alleles (0.00031%); highest among the groups gnomAD compares: Non-Finnish European, 0.00034%; no homozygotes.

Submissions (3):

Labcorp Genetics (formerly Invitae), Labcorp
Classification: Likely benign for Arrhythmogenic right ventricular dysplasia 5. Last evaluated: 2026-01-09. Review status: criteria provided, single submitter. Criteria: Invitae Variant Classification Sherloc (09022015). Collection method: clinical testing. Allele origin: germline.

CeGaT Center for Human Genetics Tuebingen
Classification: Likely benign. Last evaluated: 2024-07-01. Review status: criteria provided, single submitter. Criteria: CeGaT Center For Human Genetics Tuebingen Variant Classification Criteria Version 2. Collection method: clinical testing. Allele origin: germline. Affected: yes. Observed: 1 variant allele.
Comment: TMEM43: BP4, BP7

All of Us Research Program, National Institutes of Health
Classification: Likely benign for Arrhythmogenic right ventricular dysplasia 5. Last evaluated: 2023-12-13. Review status: criteria provided, single submitter. Criteria: ACMG Guidelines, 2015. Collection method: clinical testing. Allele origin: germline. Inheritance: Autosomal dominant inheritance. Observed: 2 variant alleles, 2 heterozygotes.
Comment: This study involves interpretation of variants in research participants for the purpose of population health screening. Participant phenotype was not available at the time of variant classification. Additional details can be found in publication PMID: 35346344, PMCID: PMC8962531

NM_024334.3(TMEM43):c.69A>C (p.Pro23=)

Gene: TMEM43 (transmembrane protein 43; plus strand). Cytogenetic location: 3p25.1.
Variant type: single nucleotide variant.
Coding change: c.69A>C on transcript NM_024334.3 (MANE Select); coding-DNA position 69, A replaced by C.
Protein change: p.Pro23=; no amino-acid change (proline 23 retained).
Molecular consequence: synonymous variant.
Genome position (GRCh38, 1-based): chr3:14,129,468, A>C. VCF-style: chr3-14129468-A-C. GRCh37 (hg19) VCF-style: chr3-14170968-A-C.
Identifiers: ClinVar variation 699671 (VCV000699671.26), dbSNP rs767619018, ClinGen allele CA054891.
Genomic context (GRCh38, chr3:14,129,468, plus strand): 5'-TCAGTATTCCAGTACCAGTACCCGGAGAGAACATGTCAAAGTTAAAACCAGCTCCCAGCC[A>C]GGCTTCCTGGAACGGCTGAGCGAGACCTCGGGTGGGATGTTTGTGGGGCTCATGGCCTTC-3'
Protein context (NP_077310.1, residues 13-33): EHVKVKTSSQ[Pro23=]GFLERLSETS